The following is an entry in ClinVar:

NM_001369.3(DNAH5):c.6744_6746delinsGTCTCTTATAC (p.Phe2249fs)

Gene: DNAH5 (dynein axonemal heavy chain 5; minus strand). Cytogenetic location: 5p15.2.
Variant type: Indel.
Coding change: c.6744_6746delinsGTCTCTTATAC on transcript NM_001369.3 (MANE Select); coding-DNA positions 6744 to 6746, ATT replaced by GTCTCTTATAC.
Protein change: p.Phe2249fs; shifts the reading frame from phenylalanine 2249.
Molecular consequence: frameshift variant.
Genome position (GRCh38, 1-based): chr5:13,820,441-13,820,443, AAT replaced by GTATAAGAGAC on the plus strand (ATT replaced by GTCTCTTATAC on the coding strand, the reverse complement: DNAH5 is on the minus strand). VCF-style: chr5-13820441-AAT-GTATAAGAGAC. GRCh37 (hg19) VCF-style: chr5-13820550-AAT-GTATAAGAGAC.
Other names: short protein forms F2249fs.
Identifiers: ClinVar variation 5011139 (VCV005011139.1).
Genomic context (GRCh38, chr5:13,820,441, plus strand): 5'-GTCTTCCCAGCCCCACTGGGCCCCAGAGTCATCATCCCATGTCGCACTCTCTGCGTTTCG[AAT>GTATAAGAGAC]AGCTGGATGACCTTCAGTTTCCAAGGAGGATGGTTGATTAAACCAGCTTCTTCAACCTGA-3'

ClinVar aggregate classification (germline): Pathogenic (1 of 4 stars; one submission).

Conditions:
Primary ciliary dyskinesia 3. Identifiers: Orphanet 244, MedGen C1837618, MONDO:0012085, OMIM 608644.

Submission:

Myriad Genetics, Inc.
Classification: Pathogenic for Primary ciliary dyskinesia 3. Last evaluated: 2024-05-14. Review status: criteria provided, single submitter. Criteria: Myriad Autosomal Dominant, Autosomal Recessive and X-Linked Classification Criteria (2023). Collection method: clinical testing. Allele origin: unknown.
Comment: NM_001369.2(DNAH5):c.6744_6746del3ins11(F2249Sfs*13) is expected to be pathogenic in the context of primary ciliary dyskinesia, DNAH5-related. This variant is predicted to lead to an abnormal or absent protein product due to the creation of a premature termination codon in DNAH5, a gene where loss-of-function variants are known to be pathogenic. Please note: this variant was assessed in the context of healthy population screening.